The following is an entry in ClinVar:

NM_182961.4(SYNE1):c.20289A>G (p.Ser6763=)

Gene: SYNE1 (spectrin repeat containing nuclear envelope protein 1; minus strand). Cytogenetic location: 6q25.2.
Variant type: single nucleotide variant.
Coding change: c.20289A>G on transcript NM_182961.4 (MANE Select); coding-DNA position 20289, A replaced by G.
Protein change: p.Ser6763=; no amino-acid change (serine 6763 retained).
Molecular consequence: synonymous variant.
Genome position (GRCh38, 1-based): chr6:152,236,214, T>C on the plus strand (A>G on the coding strand, the complement: SYNE1 is on the minus strand). VCF-style: chr6-152236214-T-C. GRCh37 (hg19) VCF-style: chr6-152557349-T-C.
Other names: c.20076A>G, p.Ser6692= (NM_033071.5).
Identifiers: ClinVar variation 286251 (VCV000286251.37), dbSNP rs142327194, ClinGen allele CA4054455.

ClinVar aggregate classification (germline): Conflicting classifications of pathogenicity. Review status: criteria provided, conflicting classifications (1 of 4 stars). 6 submissions from 5 submitters: Uncertain significance (1); Benign (2); Likely benign (3). Last evaluated 2025-01-20.

Conditions:
Emery-Dreifuss muscular dystrophy 4, autosomal dominant (EDMD4). Also called: EMERY-DREIFUSS MUSCULAR DYSTROPHY 4 WITH VARIABLE FEATURES. Identifiers: Orphanet 261, MedGen C2751807, MONDO:0013071, OMIM 612998.
Autosomal recessive ataxia, Beauce type. Also called: SYNE1 Deficiency; SYNE1-Related Autosomal Recessive Cerebellar Ataxia; ATAXIA, RECESSIVE, OF BEAUCE; Spinocerebellar ataxia, autosomal recessive 8. Identifiers: Orphanet 88644, MedGen C1853116, MONDO:0012549, OMIM 610743.

Allele frequency attached by ClinVar (database versions not stated): TOPMed 0.00009; gnomAD 0.00011 and 0.00018; gnomAD exomes 0.00022 and 0.00030; ExAC 0.00030; 1000 Genomes Project 30x 0.00062; 1000 Genomes Project 0.00080.
gnomAD v4.1: 462 of 1,614,180 alleles (0.029%); highest among the groups gnomAD compares: East Asian, 0.99%; 1 homozygote.

Submissions (6):

Labcorp Genetics (formerly Invitae), Labcorp
Classification: Benign for Emery-Dreifuss muscular dystrophy 4, autosomal dominant; Autosomal recessive ataxia, Beauce type. Last evaluated: 2025-01-20. Review status: criteria provided, single submitter. Criteria: Invitae Variant Classification Sherloc (09022015). Collection method: clinical testing. Allele origin: germline.

CeGaT Center for Human Genetics Tuebingen
Classification: Likely benign. Last evaluated: 2022-10-01. Review status: criteria provided, single submitter. Criteria: CeGaT Center For Human Genetics Tuebingen Variant Classification Criteria Version 2. Collection method: clinical testing. Allele origin: germline. Affected: yes. Observed: 1 variant allele.
Comment: SYNE1: BP4, BP7

Illumina Laboratory Services, Illumina
Classification: Benign for Emery-Dreifuss muscular dystrophy 4, autosomal dominant. Last evaluated: 2018-01-12. Review status: criteria provided, single submitter. Criteria: ICSL Variant Classification Criteria 13 December 2019. Collection method: clinical testing. Allele origin: germline.
Comment: This variant was observed in the ICSL laboratory as part of a predisposition screen in an ostensibly healthy population. It had not been previously curated by ICSL or reported in the Human Gene Mutation Database (HGMD: prior to June 1st, 2018), and was therefore a candidate for classification through an automated scoring system. Utilizing variant allele frequency, disease prevalence and penetrance estimates, and inheritance mode, an automated score was calculated to assess if this variant is too frequent to cause the disease. Based on the score and internal cut-off values, a variant classified as benign is not then subjected to further curation. The score for this variant resulted in a classification of benign for this disease.

Illumina Laboratory Services, Illumina
Classification: Likely benign for Autosomal recessive ataxia, Beauce type. Last evaluated: 2018-01-12. Review status: criteria provided, single submitter. Criteria: ICSL Variant Classification Criteria 13 December 2019. Collection method: clinical testing. Allele origin: germline.
Comment: This variant was observed in the ICSL laboratory as part of a predisposition screen in an ostensibly healthy population. It had not been previously curated by ICSL or reported in the Human Gene Mutation Database (HGMD: prior to June 1st, 2018), and was therefore a candidate for classification through an automated scoring system. Utilizing variant allele frequency, disease prevalence and penetrance estimates, and inheritance mode, an automated score was calculated to assess if this variant is too frequent to cause the disease. Based on the score and internal cut-off values, a variant classified as likely benign is not then subjected to further curation. The score for this variant resulted in a classification of likely benign for this disease.

GeneDx
Classification: Likely benign. Last evaluated: 2016-11-15. Review status: criteria provided, single submitter. Criteria: GeneDx Variant Classification (06012015). Collection method: clinical testing. Allele origin: germline. Affected: yes.
Comment: This variant is considered likely benign or benign based on one or more of the following criteria: it is a conservative change, it occurs at a poorly conserved position in the protein, it is predicted to be benign by multiple in silico algorithms, and/or has population frequency not consistent with disease.

Eurofins Ntd Llc (ga)
Classification: Uncertain significance. Last evaluated: 2016-02-11. Review status: criteria provided, single submitter. Criteria: EGL Classification Definitions 2015. Collection method: clinical testing. Allele origin: germline. Observed: 1 variant allele, 1 heterozygote.